The following is an entry in ClinVar:

ClinVar aggregate classification (germline): Uncertain significance (1 of 4 stars; one submission).

gnomAD v4.1: 1 of 1,614,152 alleles (0.000062%); highest among the groups gnomAD compares: Non-Finnish European, 0.000085%; no homozygotes.

Submission:

GeneDx
Classification: Uncertain significance. Last evaluated: 2019-05-31. Review status: criteria provided, single submitter. Criteria: GeneDx Variant Classification Process June 2021. Collection method: clinical testing. Allele origin: germline. Affected: yes.
Comment: Not observed at a significant frequency in large population cohorts (Lek et al., 2016); Has not been previously published as pathogenic or benign to our knowledge

NM_000038.6(APC):c.5246A>G (p.Gln1749Arg)

Gene: APC (APC regulator of WNT signaling pathway; plus strand). Cytogenetic location: 5q22.2.
Variant type: single nucleotide variant.
Coding change: c.5246A>G on transcript NM_000038.6 (MANE Select); coding-DNA position 5246, A replaced by G.
Protein change: p.Gln1749Arg; replaces glutamine 1749 with arginine.
Molecular consequence: missense variant.
Genome position (GRCh38, 1-based): chr5:112,840,840, A>G. VCF-style: chr5-112840840-A-G. GRCh37 (hg19) VCF-style: chr5-112176537-A-G.
Other names: c.5246A>G, p.Gln1749Arg (NM_001127510.3, NM_001354895.2); c.5192A>G, p.Gln1731Arg (NM_001127511.3); c.5300A>G, p.Gln1767Arg (NM_001354896.2); c.5276A>G, p.Gln1759Arg (NM_001354897.2); c.5171A>G, p.Gln1724Arg (NM_001354898.2); c.5162A>G, p.Gln1721Arg (NM_001354899.2); c.5123A>G, p.Gln1708Arg (NM_001354900.2); c.5069A>G, p.Gln1690Arg (NM_001354901.2); and 5 more; short protein forms Q1466R, Q1589R, Q1623R, Q1648R, Q1658R, Q1690R, Q1708R, Q1721R.
Identifiers: ClinVar variation 1315669 (VCV001315669.2), dbSNP rs2149935637, ClinGen allele CA16032803.